The following is an entry in ClinVar:

NM_001267550.2(TTN):c.102205C>T (p.Gln34069Ter)

Genes: TTN (titin; minus strand), TTN-AS1 (TTN antisense RNA 1; plus strand). Cytogenetic location: 2q31.2.
Variant type: single nucleotide variant.
Coding change: c.102205C>T on transcript NM_001267550.2 (MANE Select); coding-DNA position 102205, C replaced by T.
Protein change: p.Gln34069Ter; replaces glutamine 34069 with a stop codon.
Molecular consequence: nonsense.
Genome position (GRCh38, 1-based): chr2:178,534,410, G>A on the plus strand (C>T on the coding strand, the complement: TTN is on the minus strand). VCF-style: chr2-178534410-G-A. GRCh37 (hg19) VCF-style: chr2-179399137-G-A.
Other names: c.75586C>T, p.Gln25196Ter (NM_133437.4); c.97282C>T, p.Gln32428Ter (NM_001256850.1); c.75010C>T, p.Gln25004Ter (NM_003319.4); c.94501C>T, p.Gln31501Ter (NM_133378.4); c.75385C>T, p.Gln25129Ter (NM_133432.3); short protein forms Q25004*, Q34069*, Q31501*, Q32428*, Q25196*, Q25129*.
Identifiers: ClinVar variation 2949469 (VCV002949469.3), dbSNP rs2468534298, ClinGen allele CA349418137.
Genomic context (GRCh38, chr2:178,534,410, plus strand): 5'-TTAATGTTCTGATAACTTTAGTACTGACTCTTTCTATCTTCTGCTTCAACCATGGGTGCT[G>A]GAGAGCCTCCGATGCTGTCATGCGAGATTTCCTCTCTTTCACTAACAACCGGTCAACAAA-3'

ClinVar aggregate classification (germline): Likely pathogenic (1 of 4 stars; one submission).

Conditions:
Dilated cardiomyopathy 1G (CMD1G). Identifiers: Orphanet 154, MedGen C1858763, MONDO:0011400, OMIM 604145.
Autosomal recessive limb-girdle muscular dystrophy type 2J (LGMDR10). Also called: Limb-girdle muscular dystrophy, type 2J; MUSCULAR DYSTROPHY, LIMB-GIRDLE, AUTOSOMAL RECESSIVE 10. Identifiers: Orphanet 140922, MedGen C1837342, MONDO:0012127, OMIM 608807.

Submission:

Labcorp Genetics (formerly Invitae), Labcorp
Classification: Likely pathogenic for Dilated cardiomyopathy 1G; Autosomal recessive limb-girdle muscular dystrophy type 2J. Last evaluated: 2023-12-06. Review status: criteria provided, single submitter. Criteria: Invitae Variant Classification Sherloc (09022015). Collection method: clinical testing. Allele origin: germline.
Comment: This sequence change creates a premature translational stop signal (p.Gln34069*) in the TTN gene. While this is not anticipated to result in nonsense mediated decay, it is expected to create a truncated TTN protein. This variant is not present in population databases (gnomAD no frequency). This premature translational stop signal has been observed in individual(s) with dilated cardiomyopathy (PMID: 34731015). This variant is located in the M band of TTN (PMID: 25589632). Truncating variants in this region have been previously reported in individuals affected with autosomal recessive myopathy and muscular dystrophy (PMID: 18948003, 23975875, 24395473). Truncating variants in this region have also been identified in individuals affected with autosomal dominant dilated cardiomyopathy and/or cardio-related conditions (PMID: 27869827, 32964742). In summary, the currently available evidence indicates that the variant is pathogenic, but additional data are needed to prove that conclusively. Therefore, this variant has been classified as Likely Pathogenic.

Literature cited by the submitters: PubMed 34731015; PubMed 25589632; PubMed 18948003; PubMed 23975875; PubMed 24395473; PubMed 27869827; PubMed 32964742.